The following is an entry in ClinVar:

ClinVar aggregate classification (germline): Uncertain significance (1 of 4 stars; one submission).

Submission:

Ambry Genetics
Classification: Uncertain significance. Last evaluated: 2023-01-01. Review status: criteria provided, single submitter. Criteria: Ambry Variant Classification Scheme 2023. Collection method: clinical testing. Allele origin: germline.
Comment: The p.L2543I variant (also known as c.7627C>A), located in coding exon 29 of the POLQ gene, results from a C to A substitution at nucleotide position 7627. The leucine at codon 2543 is replaced by isoleucine, an amino acid with highly similar properties. This amino acid position is conserved. In addition, the in silico prediction for this alteration is inconclusive. Since supporting evidence is limited at this time, the clinical significance of this alteration remains unclear.

NM_199420.4(POLQ):c.7627C>A (p.Leu2543Ile)

Gene: POLQ (DNA polymerase theta; minus strand). Cytogenetic location: 3q13.33.
Variant type: single nucleotide variant.
Coding change: c.7627C>A on transcript NM_199420.4 (MANE Select); coding-DNA position 7627, C replaced by A.
Protein change: p.Leu2543Ile; replaces leucine 2543 with isoleucine.
Molecular consequence: missense variant.
Genome position (GRCh38, 1-based): chr3:121,432,950, G>T on the plus strand (C>A on the coding strand, the complement: POLQ is on the minus strand). VCF-style: chr3-121432950-G-T. GRCh37 (hg19) VCF-style: chr3-121151797-G-T.
Other names: short protein forms L2543I.
Identifiers: ClinVar variation 2448965 (VCV002448965.2), dbSNP rs2546744849, ClinGen allele CA354093624.